The following is an entry in ClinVar:

NM_016030.6(TRAPPC12):c.145del (p.Glu49fs)

Gene: TRAPPC12 (trafficking protein particle complex subunit 12; plus strand). Cytogenetic location: 2p25.3.
Variant type: Deletion.
Coding change: c.145del on transcript NM_016030.6 (MANE Select); coding-DNA position 145, one base deleted (G; older notation c.145delG).
Protein change: p.Glu49fs; shifts the reading frame from glutamic acid 49.
Molecular consequence: frameshift variant.
Genome position (GRCh38, 1-based): chr2:3,387,768, G deleted. VCF-style (leftmost placement, unchanged base first): chr2-3387767-CG-C. GRCh37 (hg19) VCF-style: chr2-3391538-CG-C.
Other names: c.145delG (NM_016030.5); c.145del, p.Glu49fs (NM_001321102.2); c.145del (NM_016030.5); short protein forms E49fs.
Identifiers: ClinVar variation 438738 (VCV000438738.4), dbSNP rs1553309983, ClinGen allele CA645509097.

ClinVar aggregate classification (germline): Likely pathogenic. Review status: criteria provided, multiple submitters, no conflicts (2 of 4 stars). 3 submissions from 3 submitters: Likely pathogenic (2). 1 of the submissions does not count toward it. Last evaluated 2024-06-27.

Conditions:
Early-onset progressive encephalopathy-hearing loss-pons hypoplasia-brain atrophy syndrome. Also called: ENCEPHALOPATHY, PROGRESSIVE, EARLY-ONSET, WITH BRAIN ATROPHY AND SPASTICITY. Identifiers: Orphanet 500144, MedGen C5567229, MONDO:0044696, OMIM 617669.

Submissions (3):

GeneDx
Classification: Likely pathogenic. Last evaluated: 2024-06-27. Review status: criteria provided, single submitter. Criteria: GeneDx Variant Classification Process June 2021. Collection method: clinical testing. Allele origin: germline. Affected: yes.
Comment: Functional studies in fibroblasts derived from a patient homozygous for c.145delG suggest a damaging effect on membrane trafficking and mitosis (PMID: 28777934); Frameshift variant predicted to result in protein truncation or nonsense mediated decay in a gene for which loss-of-function is not a known mechanism of disease; Not observed at significant frequency in large population cohorts (gnomAD); This variant is associated with the following publications: (PMID: 31575891, 28777934, 30152084)

Hadassah Hebrew University Medical Center
Classification: Likely pathogenic for Early-onset progressive encephalopathy-hearing loss-pons hypoplasia-brain atrophy syndrome. Last evaluated: 2019-06-20. Review status: criteria provided, single submitter. Criteria: ACMG Guidelines, 2015. Collection method: clinical testing. Allele origin: germline. Inheritance: Autosomal recessive inheritance. Affected: yes.

OMIM
Classification: Pathogenic for ENCEPHALOPATHY, PROGRESSIVE, EARLY-ONSET, WITH BRAIN ATROPHY AND SPASTICITY. Last evaluated: 2017-09-18. Review status: no assertion criteria provided. Collection method: literature only. Allele origin: germline. Not counted in ClinVar's aggregate classification.

Literature cited by the submitters: PubMed 28777934 (cited by OMIM).